The following is an entry in ClinVar:

ClinVar aggregate classification (germline): Pathogenic (1 of 4 stars; one submission).

Conditions:
Retinoblastoma (RB1). Also called: RETINOBLASTOMA, SOMATIC. Identifiers: Orphanet 790, MedGen C0035335, MeSH D012175, MONDO:0008380, OMIM 180200, HP:0009919. Disease mechanism: loss of function. Inheritance: Both sporadic and heritable forms are tested..

Submission:

Genetic Diagnostic Laboratory, University of Pennsylvania School of Medicine
Classification: Pathogenic for Retinoblastoma. Last evaluated: 2024-05-20. Review status: criteria provided, single submitter. Criteria: ACMG Guidelines, 2015. Collection method: clinical testing. Allele origin: germline. Affected: yes. Observed: 2 variant alleles.
Comment: Case and Pedigree Information: BILATERAL CASES:1, UNILATERAL CASES:1, TOTAL CASES:2, PEDIGREES:2. ACMG Codes Applied:PVS1, PM2

NM_000321.3(RB1):c.769C>T (p.Gln257Ter)

Gene: RB1 (RB transcriptional corepressor 1; plus strand). Cytogenetic location: 13q14.2.
Variant type: single nucleotide variant.
Coding change: c.769C>T on transcript NM_000321.3 (MANE Select); coding-DNA position 769, C replaced by T.
Protein change: p.Gln257Ter; replaces glutamine 257 with a stop codon.
Molecular consequence: nonsense.
Genome position (GRCh38, 1-based): chr13:48,362,865, C>T. VCF-style: chr13-48362865-C-T. GRCh37 (hg19) VCF-style: chr13-48937001-C-T.
Other names: c.769C>T, p.Gln257Ter (NM_001407165.1, NM_001407166.1); short protein forms Q257*.
Identifiers: ClinVar variation 3236931 (VCV003236931.1), dbSNP rs2138112357.